The following is an entry in ClinVar:

NC_000004.11:g.(?_101947022)_(106061534_?)del

Genes: TACR3 (tachykinin receptor 3; minus strand), CISD2 (CDGSH iron sulfur domain 2; plus strand), PPP3CA (protein phosphatase 3 catalytic subunit alpha; minus strand), SLC39A8 (solute carrier family 39 member 8; minus strand), SLC9B1 (solute carrier family 9 member B1; minus strand) and 8 more. Cytogenetic location: 4q24.
Variant type: Deletion.
Identifiers: ClinVar variation 2424810 (VCV002424810.3).

ClinVar aggregate classification (germline): Pathogenic (1 of 4 stars; one submission).

Submission:

Labcorp Genetics (formerly Invitae), Labcorp
Classification: Pathogenic. Last evaluated: 2022-06-04. Review status: criteria provided, single submitter. Criteria: Invitae Variant Classification Sherloc (09022015). Collection method: clinical testing. Allele origin: germline.
Comment: A gross deletion of the genomic region encompassing the full coding sequence of the NFKB1 gene has been identified. Loss-of-function variants in NFKB1 are known to be pathogenic (PMID: 26279205, 29477724). The boundaries of this event are unknown as they extend beyond the assayed region for this gene and therefore may encompass additional genes. A similar copy number variant has been observed in individual(s) with common variable immunodeficiency (PMID: 29477724). For these reasons, this variant has been classified as Pathogenic.

Literature cited by the submitters: PubMed 26279205; PubMed 29477724.